The following is an entry in ClinVar:

NM_004370.6(COL12A1):c.7854G>A (p.Thr2618=)

Gene: COL12A1 (collagen type XII alpha 1 chain; minus strand). Cytogenetic location: 6q13.
Variant type: single nucleotide variant.
Coding change: c.7854G>A on transcript NM_004370.6 (MANE Select); coding-DNA position 7854, G replaced by A.
Protein change: p.Thr2618=; no amino-acid change (threonine 2618 retained).
Molecular consequence: synonymous variant.
Genome position (GRCh38, 1-based): chr6:75,113,300, C>T on the plus strand (G>A on the coding strand, the complement: COL12A1 is on the minus strand). VCF-style: chr6-75113300-C-T. GRCh37 (hg19) VCF-style: chr6-75823016-C-T.
Other names: c.4362G>A, p.Thr1454= (NM_080645.3).
Identifiers: ClinVar variation 1142906 (VCV001142906.35), dbSNP rs190984968, ClinGen allele CA3892439.

ClinVar aggregate classification (germline): Likely benign. Review status: criteria provided, multiple submitters, no conflicts (2 of 4 stars). 4 submissions from 4 submitters: Likely benign (4). Last evaluated 2026-08-04.

Conditions:
COL12A1-related disorder. Also called: COL12A1-related condition.
Ullrich congenital muscular dystrophy 2 (UCMD2). Identifiers: Orphanet 75840, MedGen C4225314, MONDO:0014654, OMIM 616470.
Bethlem myopathy 2 (BTHLM2). Identifiers: Orphanet 536516, Orphanet 610, MedGen C4225313, MONDO:0034022, OMIM 616471.

gnomAD v4.1: 130 of 1,548,322 alleles (0.0084%); highest among the groups gnomAD compares: Non-Finnish European, 0.01%; no homozygotes.

Submissions (4):

PreventionGenetics, part of Exact Sciences
Classification: Likely benign for COL12A1-related condition. Last evaluated: 2026-08-04. Review status: criteria provided, single submitter. Criteria: ACMG Guidelines, 2015. Collection method: clinical testing. Allele origin: germline.
Comment: This variant is classified as likely benign based on ACMG/AMP sequence variant interpretation guidelines (Richards et al. 2015 PMID: 25741868, with internal and published modifications).

Labcorp Genetics (formerly Invitae), Labcorp
Classification: Likely benign for Bethlem myopathy 2; Ullrich congenital muscular dystrophy 2. Last evaluated: 2026-01-07. Review status: criteria provided, single submitter. Criteria: Invitae Variant Classification Sherloc (09022015). Collection method: clinical testing. Allele origin: germline.

CeGaT Center for Human Genetics Tuebingen
Classification: Likely benign. Last evaluated: 2023-10-01. Review status: criteria provided, single submitter. Criteria: CeGaT Center For Human Genetics Tuebingen Variant Classification Criteria Version 2. Collection method: clinical testing. Allele origin: germline. Affected: yes. Observed: 1 variant allele.
Comment: COL12A1: BP4, BP7

GeneDx
Classification: Likely benign. Last evaluated: 2021-02-24. Review status: criteria provided, single submitter. Criteria: GeneDx Variant Classification Process June 2021. Collection method: clinical testing. Allele origin: germline. Affected: yes.